The following is an entry in ClinVar:

ClinVar aggregate classification (germline): Likely benign (0 of 4 stars; one submission).

Conditions:
RUBCN-related disorder. Also called: RUBCN-related condition.

gnomAD v4.1: 650 of 1,529,628 alleles (0.042%); highest among the groups gnomAD compares: Non-Finnish European, 0.053%; no homozygotes.

Submission:

PreventionGenetics, part of Exact Sciences
Classification: Likely benign for RUBCN-related condition. Last evaluated: 2024-09-26. Review status: no assertion criteria provided. Collection method: clinical testing. Allele origin: germline.
Comment: This variant is classified as likely benign based on ACMG/AMP sequence variant interpretation guidelines (Richards et al. 2015 PMID: 25741868, with internal and published modifications).

NM_014687.4(RUBCN):c.-1G>A

Gene: RUBCN (rubicon autophagy regulator; minus strand). Cytogenetic location: 3q29.
Variant type: single nucleotide variant.
Coding change: c.-1G>A on transcript NM_014687.4 (MANE Select); 1 bases upstream of the start codon, G replaced by A.
Molecular consequence: 5 prime UTR variant. On other transcripts: intron variant (1).
Genome position (GRCh38, 1-based): chr3:197,736,720, C>T on the plus strand (G>A on the coding strand, the complement: RUBCN is on the minus strand). VCF-style: chr3-197736720-C-T. GRCh37 (hg19) VCF-style: chr3-197463591-C-T.
Other names: c.-1G>A (NM_001346873.2); c.-116+12549G>A (NM_001145642.5).
Identifiers: ClinVar variation 3352505 (VCV003352505.1).